The following is an entry in ClinVar:

ClinVar aggregate classification (germline): Uncertain significance. Review status: criteria provided, multiple submitters, no conflicts (2 of 4 stars). 2 submissions from 2 submitters: Uncertain significance (2). Last evaluated 2024-03-14.

Conditions:
Hypertrophic cardiomyopathy. Also called: HYPERTROPHIC MYOCARDIOPATHY. Identifiers: Orphanet 217569, MedGen C0007194, MeSH D002312, MONDO:0005045, HP:0001639.

Submissions (2):

Labcorp Genetics (formerly Invitae), Labcorp
Classification: Uncertain significance for Hypertrophic cardiomyopathy. Last evaluated: 2024-03-14. Review status: criteria provided, single submitter. Criteria: Invitae Variant Classification Sherloc (09022015). Collection method: clinical testing. Allele origin: germline.
Comment: This sequence change replaces valine, which is neutral and non-polar, with glycine, which is neutral and non-polar, at codon 1270 of the MYBPC3 protein (p.Val1270Gly). This variant is not present in population databases (gnomAD no frequency). This variant has not been reported in the literature in individuals affected with MYBPC3-related conditions. ClinVar contains an entry for this variant (Variation ID: 418579). An algorithm developed to predict the effect of missense changes on protein structure and function (PolyPhen-2) suggests that this variant is likely to be disruptive. In summary, the available evidence is currently insufficient to determine the role of this variant in disease. Therefore, it has been classified as a Variant of Uncertain Significance.

GeneDx
Classification: Uncertain significance. Last evaluated: 2017-02-21. Review status: criteria provided, single submitter. Criteria: GeneDx Variant Classification (06012015). Collection method: clinical testing. Allele origin: germline. Affected: yes.
Comment: A variant of uncertain significance has been identified in the MYBPC3 gene. The V1270G variant has not been published as pathogenic or been reported as benign to our knowledge. This variant is not observed in large population cohorts (Lek et al., 2016; 1000 Genomes Consortium et al., 2015; Exome Variant Server). This substitution occurs at a position that is conserved across species and in silico analysis predicts this variant is probably damaging to the protein structure/function. However, the V1270G variant is a conservative amino acid substitution, which is not likely to impact secondary protein structure as these residues share similar properties.

NM_000256.3(MYBPC3):c.3809T>G (p.Val1270Gly)

Gene: MYBPC3 (myosin binding protein C3; minus strand). Cytogenetic location: 11p11.2.
Variant type: single nucleotide variant.
Coding change: c.3809T>G on transcript NM_000256.3 (MANE Select); coding-DNA position 3809, T replaced by G.
Protein change: p.Val1270Gly; replaces valine 1270 with glycine.
Molecular consequence: missense variant.
Genome position (GRCh38, 1-based): chr11:47,332,077, A>C on the plus strand (T>G on the coding strand, the complement: MYBPC3 is on the minus strand). VCF-style: chr11-47332077-A-C. GRCh37 (hg19) VCF-style: chr11-47353628-A-C.
Other names: c.3809T>G, p.Val1270Gly (LRG_386t1); short protein forms V1270G.
Identifiers: ClinVar variation 418579 (VCV000418579.10), dbSNP rs1064793310, ClinGen allele CA16619329.